The following is an entry in ClinVar:

NM_006767.4(LZTR1):c.604_605del (p.Met202fs)

Gene: LZTR1 (leucine zipper like post translational regulator 1; plus strand). Cytogenetic location: 22q11.21.
Variant type: Deletion.
Coding change: c.604_605del on transcript NM_006767.4 (MANE Select); coding-DNA positions 604 to 605, 2 bases deleted (AT; older notation c.604_605delAT).
Protein change: p.Met202fs; shifts the reading frame from methionine 202.
Molecular consequence: frameshift variant.
Genome position (GRCh38, 1-based): chr22:20,989,635-20,989,636, AT deleted. VCF-style (leftmost placement, unchanged base first): chr22-20989634-CAT-C. GRCh37 (hg19) VCF-style: chr22-21343923-CAT-C.
Other names: c.604_605delAT (NM_006767.3); c.604_605del (NM_006767.3); short protein forms M202fs.
Identifiers: ClinVar variation 1751239 (VCV001751239.16), dbSNP rs776788495, ClinGen allele CA10118520.
Genomic context (GRCh38, chr22:20,989,634, plus strand): 5'-CCACCCTGACCACCAGACCCAAGGGGTCCTCACTGGTCTGTCCTAATACAGGTTGAATGA[CAT>C]GTGGACAATTGGCCTCCAGGACCGAGAGCTCACCTGCTGGGAGGAGGTGAGGGGCGTGGG-3'

ClinVar aggregate classification (germline): Pathogenic/Likely pathogenic. Review status: criteria provided, multiple submitters, no conflicts (2 of 4 stars). 6 submissions from 6 submitters: Pathogenic (3); Likely pathogenic (3). Last evaluated 2026-02-02.

Conditions:
LZTR1-related schwannomatosis. Also called: Schwannomatosis 2; Schwannomatosis-2, susceptibility to. Identifiers: Orphanet 93921, MedGen C3810283, MONDO:0014299, OMIM 615670.
Hereditary cancer-predisposing syndrome. Also called: Tumor predisposition; Hereditary Cancer Syndrome; Neoplastic Syndromes, Hereditary; Hereditary neoplastic syndrome. Identifiers: Orphanet 140162, MedGen C0027672, MeSH D009386, MONDO:0015356.
Cardiovascular phenotype. Identifiers: MedGen CN230736.
Noonan syndrome 10 (NS10). Identifiers: Orphanet 648, MedGen C4225280, MONDO:0014693, OMIM 616564.

Allele frequency attached by ClinVar (database versions not stated): ExAC 0.00002; gnomAD exomes 0.00002; TOPMed 0.00002.

Submissions (6):

Labcorp Genetics (formerly Invitae), Labcorp
Classification: Pathogenic. Last evaluated: 2026-02-02. Review status: criteria provided, single submitter. Criteria: Invitae Variant Classification Sherloc (09022015). Collection method: clinical testing. Allele origin: germline.
Comment: This sequence change creates a premature translational stop signal (p.Met202Valfs*57) in the LZTR1 gene. It is expected to result in an absent or disrupted protein product. Loss-of-function variants in LZTR1 are known to be pathogenic (PMID: 24362817, 25335493, 25480913, 25795793, 29469822, 30368668, 30442762, 30442766, 30481304, 30859559). This variant is present in population databases (rs776788495, gnomAD 0.01%). This premature translational stop signal has been observed in individual(s) with clinical features of Noonan syndrome (PMID: 30368668). ClinVar contains an entry for this variant (Variation ID: 1751239). For these reasons, this variant has been classified as Pathogenic.

GeneDx
Classification: Likely pathogenic. Last evaluated: 2025-09-20. Review status: criteria provided, single submitter. Criteria: GeneDx Variant Classification Process June 2021. Collection method: clinical testing. Allele origin: germline.
Comment: Not observed at significant frequency in large population cohorts (gnomAD); Frameshift variant predicted to result in protein truncation or nonsense mediated decay in a gene for which loss of function is a known mechanism of disease; This variant is associated with the following publications: (PMID: 30368668, 33895855, 39062695)

Ambry Genetics
Classification: Pathogenic for Cardiovascular phenotype; Hereditary cancer-predisposing syndrome. Last evaluated: 2024-10-31. Review status: criteria provided, single submitter. Criteria: Ambry Variant Classification Scheme 2023. Collection method: clinical testing. Allele origin: germline.
Comment: The c.604_605delAT pathogenic mutation, located in coding exon 7 of the LZTR1 gene, results from a deletion of two nucleotides at nucleotide positions 604 to 605, causing a translational frameshift with a predicted alternate stop codon (p.M202Vfs*57). This alteration was identified as heterozygous in a patient with suspected Noonan syndrome (NS), who's mother was homozygous wild type and father was heterozygous for this alteration with no clinical NS features (Umeki I et al. Hum Genet, 2019 Jan;138:21-35). This alteration is expected to result in loss of function by premature protein truncation or nonsense-mediated mRNA decay. Loss-of-function variants in LZTR1 are related to an increased risk for schwannomas and autosomal recessive Noonan syndrome; however, such associations with autosomal dominant Noonan syndrome have not been observed (Piotrowski A et al. Nat Genet. 2014 Feb;46:182-7; Yamamoto GL et al. J Med Genet. 2015 Jun;52:413-21; Johnston JJ et al. Genet Med. 2018 10;20:1175-1185). Based on the supporting evidence, this variant is pathogenic for an increased risk of LZTR1-related schwannomatosis (SWN) and would be expected to cause autosomal recessive Noonan syndrome when present along with a second pathogenic or likely pathogenic variant on the other allele; however, the association of this alteration with autosomal dominant Noonan syndrome is unlikely.

Baylor Genetics
Classification: Pathogenic for LZTR1-related schwannomatosis. Last evaluated: 2024-02-28. Review status: criteria provided, single submitter. Criteria: ACMG Guidelines, 2015. Collection method: clinical testing. Allele origin: unknown.

Juno Genomics, Hangzhou Juno Genomics, Inc
Classification: Likely pathogenic for LZTR1-related schwannomatosis. Review status: criteria provided, single submitter. Criteria: ACMG Guidelines, 2015. Collection method: clinical testing. Allele origin: germline.
Comment: Null variant in a gene where loss of function (LOF) is a known mechanism of disease.;Absent from controls (or at extremely low frequency if recessive) in Genome Aggregation Database.

University Health Network, Familial Cancer Clinic, Princess Margaret Cancer Centre
Classification: Likely pathogenic for Noonan syndrome 10. Review status: criteria provided, single submitter. Criteria: ACMG Guidelines, 2015. Collection method: clinical testing. Allele origin: germline. Inheritance: Autosomal dominant inheritance. Affected: yes. Observed: 1 variant allele.

Literature cited by the submitters: PubMed 24362817 (cited by Labcorp Genetics (formerly Invitae), Labcorp); PubMed 25335493 (cited by Labcorp Genetics (formerly Invitae), Labcorp); PubMed 25480913 (cited by Labcorp Genetics (formerly Invitae), Labcorp); PubMed 25795793 (cited by Labcorp Genetics (formerly Invitae), Labcorp); PubMed 29469822 (cited by Labcorp Genetics (formerly Invitae), Labcorp); PubMed 30368668 (cited by Labcorp Genetics (formerly Invitae), Labcorp and Ambry Genetics); PubMed 30442762 (cited by Labcorp Genetics (formerly Invitae), Labcorp); PubMed 30442766 (cited by Labcorp Genetics (formerly Invitae), Labcorp); PubMed 30481304 (cited by Labcorp Genetics (formerly Invitae), Labcorp); PubMed 30859559 (cited by Labcorp Genetics (formerly Invitae), Labcorp).